The following is an entry in ClinVar:

ClinVar aggregate classification (germline): Likely pathogenic (1 of 4 stars; one submission).

Conditions:
Peutz-Jeghers syndrome (PJS). Also called: Peutz-Jeghers polyposis; Periorificial lentiginosis syndrome; POLYPOSIS, HAMARTOMATOUS INTESTINAL; POLYPS-AND-SPOTS SYNDROME. Identifiers: Orphanet 2869, MedGen C0031269, MeSH D010580, MONDO:0008280, OMIM 175200.

Submission:

Neuberg Centre For Genomic Medicine, NCGM
Classification: Likely pathogenic for Peutz-Jeghers syndrome. Review status: criteria provided, single submitter. Criteria: ACMG Guidelines, 2015. Collection method: clinical testing. Allele origin: germline. Inheritance: Autosomal dominant inheritance. Affected: yes.
Comment: The frameshift variant c.717del (p.Trp239CysfsTer48) has not been reported previously as a pathogenic variant nor as a benign variant, to our knowledge. This variant is novel (not in any individuals) in gnomAD Exomes and 1000 Genomes. This variant is predicted to cause loss of normal protein function through protein truncation. Loss of function variants have been previously reported to be disease causing. For these reasons, this variant has been classified as Likely Pathogenic.

NM_000455.5(STK11):c.717del (p.Trp239fs)

Gene: STK11 (serine/threonine kinase 11; plus strand). Cytogenetic location: 19p13.3.
Variant type: Deletion.
Coding change: c.717del on transcript NM_000455.5 (MANE Select); coding-DNA position 717, one base deleted (G; older notation c.717delG).
Protein change: p.Trp239fs; shifts the reading frame from tryptophan 239.
Molecular consequence: frameshift variant. On other transcripts: non-coding transcript variant (1).
Genome position (GRCh38, 1-based): chr19:1,220,700, G deleted; the last of 2 consecutive G bases (chr19:1,220,699-1,220,700); deleting either gives the same sequence. VCF-style (leftmost placement, unchanged base first): chr19-1220698-TG-T. GRCh37 (hg19) VCF-style: chr19-1220697-TG-T.
Other names: c.717del, p.Trp239fs (NM_001407255.1); short protein forms W239fs.
Identifiers: ClinVar variation 2585536 (VCV002585536.1), dbSNP rs2512943788, ClinGen allele CA2582342346.